The following is an entry in ClinVar:

NM_000264.5(PTCH1):c.684T>G (p.Ile228Met)

Gene: PTCH1 (patched 1; minus strand). Cytogenetic location: 9q22.32.
Variant type: single nucleotide variant.
Coding change: c.684T>G on transcript NM_000264.5 (MANE Select); coding-DNA position 684, T replaced by G.
Protein change: p.Ile228Met; replaces isoleucine 228 with methionine.
Molecular consequence: missense variant. On other transcripts: non-coding transcript variant (1).
Genome position (GRCh38, 1-based): chr9:95,482,011, A>C on the plus strand (T>G on the coding strand, the complement: PTCH1 is on the minus strand). VCF-style: chr9-95482011-A-C. GRCh37 (hg19) VCF-style: chr9-98244293-A-C.
Other names: c.486T>G, p.Ile162Met (NM_001083602.3, NM_001354919.2); c.681T>G, p.Ile227Met (NM_001083603.3); c.231T>G, p.Ile77Met (NM_001083604.3, NM_001083605.3, NM_001083606.3 and 1 more transcripts); c.684T>G, p.Ile228Met (NM_001354918.2); short protein forms I228M, I227M, I162M, I77M.
Identifiers: ClinVar variation 4146847 (VCV004146847.1).

ClinVar aggregate classification (germline): Uncertain significance (1 of 4 stars; one submission).

Conditions:
Hereditary cancer-predisposing syndrome. Also called: Hereditary neoplastic syndrome; Neoplastic Syndromes, Hereditary; Tumor predisposition; Hereditary Cancer Syndrome. Identifiers: Orphanet 140162, MedGen C0027672, MeSH D009386, MONDO:0015356.

Submission:

Ambry Genetics
Classification: Uncertain significance for Hereditary cancer-predisposing syndrome. Last evaluated: 2025-06-25. Review status: criteria provided, single submitter. Criteria: Ambry Variant Classification Scheme 2023. Collection method: clinical testing. Allele origin: germline.
Comment: The p.I228M variant (also known as c.684T>G), located in coding exon 5 of the PTCH1 gene, results from a T to G substitution at nucleotide position 684. The isoleucine at codon 228 is replaced by methionine, an amino acid with highly similar properties. This amino acid position is conserved. In addition, this alteration is predicted to be deleterious by in silico analysis. Based on the available evidence, the clinical significance of this variant remains unclear.